The following is an entry in ClinVar:

ClinVar aggregate classification (germline): Uncertain significance. Review status: criteria provided, multiple submitters, no conflicts (2 of 4 stars). 2 submissions from 2 submitters: Uncertain significance (2). Last evaluated 2023-07-28.

Conditions:
Spinocerebellar ataxia type 19/22 (SCA19). Also called: SPINOCEREBELLAR ATAXIA 22; SPINOCEREBELLAR ATAXIA 19. Identifiers: Orphanet 98772, MedGen C1846367, MONDO:0011819, OMIM 607346.
Cardiovascular phenotype. Identifiers: MedGen CN230736.

Allele frequency attached by ClinVar (database versions not stated): gnomAD 0.00001.
gnomAD v4.1: 4 of 1,614,116 alleles (0.00025%); highest among the groups gnomAD compares: African/African-American, 0.0013%; no homozygotes.

Submissions (2):

Ambry Genetics
Classification: Uncertain significance for Cardiovascular phenotype. Last evaluated: 2023-07-28. Review status: criteria provided, single submitter. Criteria: Ambry Variant Classification Scheme 2023. Collection method: clinical testing. Allele origin: germline.
Comment: The p.T545I variant (also known as c.1634C>T), located in coding exon 6 of the KCND3 gene, results from a C to T substitution at nucleotide position 1634. The threonine at codon 545 is replaced by isoleucine, an amino acid with similar properties. This amino acid position is conserved. In addition, this alteration is predicted to be tolerated by in silico analysis. Since supporting evidence is limited at this time, the clinical significance of this alteration remains unclear.

Labcorp Genetics (formerly Invitae), Labcorp
Classification: Uncertain significance for Spinocerebellar ataxia type 19/22. Last evaluated: 2021-02-21. Review status: criteria provided, single submitter. Criteria: Invitae Variant Classification Sherloc (09022015). Collection method: clinical testing. Allele origin: germline.
Comment: In summary, the available evidence is currently insufficient to determine the role of this variant in disease. Therefore, it has been classified as a Variant of Uncertain Significance. This sequence change replaces threonine with isoleucine at codon 545 of the KCND3 protein (p.Thr545Ile). The threonine residue is weakly conserved and there is a moderate physicochemical difference between threonine and isoleucine. This variant is not present in population databases (ExAC no frequency). This variant has not been reported in the literature in individuals with KCND3-related conditions. Algorithms developed to predict the effect of missense changes on protein structure and function (SIFT, PolyPhen-2, Align-GVGD) all suggest that this variant is likely to be tolerated, but these predictions have not been confirmed by published functional studies and their clinical significance is uncertain.

NM_001378969.1(KCND3):c.1634C>T (p.Thr545Ile)

Gene: KCND3 (potassium voltage-gated channel subfamily D member 3; minus strand). Cytogenetic location: 1p13.2.
Variant type: single nucleotide variant.
Coding change: c.1634C>T on transcript NM_001378969.1 (MANE Select); coding-DNA position 1634, C replaced by T.
Protein change: p.Thr545Ile; replaces threonine 545 with isoleucine.
Molecular consequence: missense variant.
Genome position (GRCh38, 1-based): chr1:111,777,158, G>A on the plus strand (C>T on the coding strand, the complement: KCND3 is on the minus strand). VCF-style: chr1-111777158-G-A. GRCh37 (hg19) VCF-style: chr1-112319780-G-A.
Other names: c.1577C>T, p.Thr526Ile (NM_001378970.1, NM_172198.3); c.1634C>T, p.Thr545Ile (NM_004980.5); c.1634C>T (NM_004980.4); short protein forms T526I, T545I.
Identifiers: ClinVar variation 1059490 (VCV001059490.10), dbSNP rs969494348, ClinGen allele CA341657166.